The following is an entry in ClinVar:

NM_015443.4(KANSL1):c.2139C>T (p.Gly713=)

Gene: KANSL1 (KAT8 regulatory NSL complex subunit 1). Cytogenetic location: 17q21.31.
Variant type: single nucleotide variant.
Coding change: c.2139C>T on transcript NM_015443.4 (MANE Select); coding-DNA position 2139, C replaced by T.
Protein change: p.Gly713=; no amino-acid change (glycine 713 retained).
Molecular consequence: synonymous variant.
Genome position (GRCh38, 1-based): chr17:46,039,766, G>A on the plus strand (C>T on the coding strand, the complement: KANSL1 is on the minus strand). VCF-style: chr17-46039766-G-A. GRCh37 (hg19) VCF-style: chr17-44117132-G-A.
Other names: c.2139C>T, p.Gly713= (NM_001405856.1, NM_001405857.1, NM_001405858.1 and 14 more transcripts); c.2037C>T, p.Gly679= (NM_001405859.1, NM_001405860.1, NM_001405861.1 and 1 more transcripts); c.873C>T, p.Gly291= (NM_001405882.1, NM_001405883.1, NM_001405884.1 and 1 more transcripts).
Identifiers: ClinVar variation 3389106 (VCV003389106.14).

ClinVar aggregate classification (germline): Likely benign (1 of 4 stars; one submission).

gnomAD v4.1: 7 of 1,614,220 alleles (0.00043%); highest among the groups gnomAD compares: Non-Finnish European, 0.00059%; no homozygotes.

Submission:

CeGaT Center for Human Genetics Tuebingen
Classification: Likely benign. Last evaluated: 2024-09-01. Review status: criteria provided, single submitter. Criteria: CeGaT Center For Human Genetics Tuebingen Variant Classification Criteria Version 2. Collection method: clinical testing. Allele origin: germline. Affected: yes. Observed: 1 variant allele.
Comment: KANSL1: BP4